The following is an entry in ClinVar:

ClinVar aggregate classification (germline): Conflicting classifications of pathogenicity. Review status: criteria provided, conflicting classifications (1 of 4 stars). 6 submissions from 4 submitters: Uncertain significance (5); Likely benign (1). Last evaluated 2026-01-12.

Conditions:
Inborn genetic diseases. Identifiers: MedGen C0950123, MeSH D030342.
Congenital factor V deficiency. Also called: Hereditary factor V deficiency disease; LABILE FACTOR DEFICIENCY; OWREN PARAHEMOPHILIA; PARAHEMOPHILIA. Identifiers: Orphanet 326, MedGen C0015499, MONDO:0009210, OMIM 227400.
Thrombophilia due to thrombin defect (THPH1). Also called: THROMBOPHILIA DUE TO FACTOR 2 DEFECT; Prothrombin-Related Thrombophilia (Factor II); Thrombosis susceptibility; Prothrombin Thrombophilia. Identifiers: MedGen C3160733, MONDO:0008559, OMIM 188050. Disease mechanism: gain of function, loss of function.
Budd-Chiari syndrome (BDCHS). Also called: Hepatic vein obstruction. Identifiers: Orphanet 131, MedGen C0856761, MONDO:0010947, OMIM 600880, HP:0002639.
Factor V deficiency. Also called: Reduced coagulation factor V activity. Identifiers: Orphanet 326, MedGen C4317320, MONDO:0020586, HP:0003225.

Allele frequency attached by ClinVar (database versions not stated): ExAC 0.00007; gnomAD 0.00012 and 0.00014; TOPMed 0.00017.
gnomAD v4.1: 135 of 1,613,890 alleles (0.0084%); highest among the groups gnomAD compares: Admixed American, 0.05%; no homozygotes.

Submissions (6):

Labcorp Genetics (formerly Invitae), Labcorp
Classification: Likely benign for Congenital factor V deficiency. Last evaluated: 2026-01-12. Review status: criteria provided, single submitter. Criteria: Invitae Variant Classification Sherloc (09022015). Collection method: clinical testing. Allele origin: germline.

Ambry Genetics
Classification: Uncertain significance for Inborn genetic diseases. Last evaluated: 2025-01-13. Review status: criteria provided, single submitter. Criteria: Ambry Variant Classification Scheme 2023. Collection method: clinical testing. Allele origin: germline.
Comment: The p.T1445A variant (also known as c.4333A>G), located in coding exon 13 of the F5 gene, results from an A to G substitution at nucleotide position 4333. The threonine at codon 1445 is replaced by alanine, an amino acid with similar properties. This amino acid position is conserved. In addition, this alteration is predicted to be tolerated by in silico analysis. Since supporting evidence is limited at this time, the clinical significance of this alteration remains unclear.

CeGaT Center for Human Genetics Tuebingen
Classification: Uncertain significance. Last evaluated: 2024-08-01. Review status: criteria provided, single submitter. Criteria: CeGaT Center For Human Genetics Tuebingen Variant Classification Criteria Version 2. Collection method: clinical testing. Allele origin: germline. Affected: yes. Observed: 1 variant allele.
Comment: F5: PM2:Supporting, BP4

Illumina Laboratory Services, Illumina
Classification: Uncertain significance for Congenital factor V deficiency. Last evaluated: 2018-01-13. Review status: criteria provided, single submitter. Criteria: ICSL Variant Classification Criteria 13 December 2019. Collection method: clinical testing. Allele origin: germline.

Illumina Laboratory Services, Illumina
Classification: Uncertain significance for Budd-Chiari syndrome. Last evaluated: 2018-01-13. Review status: criteria provided, single submitter. Criteria: ICSL Variant Classification Criteria 13 December 2019. Collection method: clinical testing. Allele origin: germline.

Illumina Laboratory Services, Illumina
Classification: Uncertain significance for Venous thrombosis. Last evaluated: 2018-01-13. Review status: criteria provided, single submitter. Criteria: ICSL Variant Classification Criteria 13 December 2019. Collection method: clinical testing. Allele origin: germline.

NM_000130.5(F5):c.4333A>G (p.Thr1445Ala)

Gene: F5 (coagulation factor V; minus strand). Cytogenetic location: 1q24.2.
Variant type: single nucleotide variant.
Coding change: c.4333A>G on transcript NM_000130.5 (MANE Select); coding-DNA position 4333, A replaced by G.
Protein change: p.Thr1445Ala; replaces threonine 1445 with alanine.
Molecular consequence: missense variant.
Genome position (GRCh38, 1-based): chr1:169,540,757, T>C on the plus strand (A>G on the coding strand, the complement: F5 is on the minus strand). VCF-style: chr1-169540757-T-C. GRCh37 (hg19) VCF-style: chr1-169509995-T-C.
Other names: short protein forms T1445A.
Identifiers: ClinVar variation 293597 (VCV000293597.32), dbSNP rs200204656, ClinGen allele CA1233716.